The following is an entry in ClinVar:

ClinVar aggregate classification (germline): Likely benign. Review status: criteria provided, single submitter (1 of 4 stars). 2 submissions from 2 submitters: Likely benign (1). 1 of the submissions does not count toward it. Last evaluated 2018-06-06.

Conditions:
APEX1-related disorder. Also called: APEX1-related condition.

Allele frequency attached by ClinVar (database versions not stated): gnomAD 0.00009 and 0.00008; TOPMed 0.00018; ExAC 0.00030; gnomAD exomes 0.00043 and 0.00009.
gnomAD v4.1: 144 of 1,613,738 alleles (0.0089%); highest among the groups gnomAD compares: Admixed American, 0.23%; 3 homozygotes.

Submissions (2):

Labcorp Genetics (formerly Invitae), Labcorp
Classification: Likely benign. Last evaluated: 2018-06-06. Review status: criteria provided, single submitter. Criteria: Invitae Variant Classification Sherloc (09022015). Collection method: clinical testing. Allele origin: germline.

PreventionGenetics, part of Exact Sciences
Classification: Likely benign for APEX1-related condition. Last evaluated: 2022-02-23. Review status: no assertion criteria provided. Collection method: clinical testing. Allele origin: germline. Not counted in ClinVar's aggregate classification.
Comment: This variant is classified as likely benign based on ACMG/AMP sequence variant interpretation guidelines (Richards et al. 2015 PMID: 25741868, with internal and published modifications).

NM_001641.4(APEX1):c.445G>A (p.Glu149Lys)

Gene: APEX1 (apurinic/apyrimidinic endodeoxyribonuclease 1; plus strand). Cytogenetic location: 14q11.2.
Variant type: single nucleotide variant.
Coding change: c.445G>A on transcript NM_001641.4 (MANE Select); coding-DNA position 445, G replaced by A.
Protein change: p.Glu149Lys; replaces glutamic acid 149 with lysine.
Molecular consequence: missense variant.
Genome position (GRCh38, 1-based): chr14:20,456,996, G>A. VCF-style: chr14-20456996-G-A. GRCh37 (hg19) VCF-style: chr14-20925155-G-A.
Other names: c.445G>A, p.Glu149Lys (NM_001244249.2, NM_080648.3, NM_080649.3); short protein forms E149K.
Identifiers: ClinVar variation 724013 (VCV000724013.5), dbSNP rs747759495, ClinGen allele CA7081566.